The following continues an entry in ClinVar:

NM_002074.5(GNB1):c.239T>C (p.Ile80Thr)

Gene: GNB1. ClinVar aggregate classification (germline): Pathogenic/Likely pathogenic. Pathogenic (27); Likely pathogenic (1).

Submissions 22 to 38 of 38:

Laboratory for Molecular Medicine, Mass General Brigham Personalized Medicine
Classification: Pathogenic for Neurodevelopmental disorder. Last evaluated: 2019-06-05. Review status: criteria provided, single submitter. Criteria: LMM Criteria. Collection method: clinical testing. Allele origin: germline. Inheritance: Autosomal dominant inheritance. Observed: 1 variant allele.
Comment: The p.Ile80Thr variant in GNB1 has been reported in the literature as a de novo germline event in 10 individuals with clinical features of a neurodevelopmental disorder most commonly consisting of global developmental delays, hypotonia evolving to hypertonia and spasticity, abnormal vision, and epilepsy (Petrovski et al. 2016, Hemati et al. 2018) and was absent from large population studies. This variant has also been reported in ClinVar (Variation ID 208722). Additionally, another missense variant at this same codon, p.Ile80Asn, has also been reported as a de novo germline event in several unrelated individuals with neurodevelopmental features (Petrovski et al. 2016). As a somatic event, the p.Ile80Thr variant has also been identified in individuals with hematologic, primarily B-cell, malignancies (Yoda et al. 2015) and in mice transplanted with p.Ile80Thr bone marrow (Yoda et al. 2015). The implications of these findings to individuals with germline variants remains to be determined (Petrovski et al. 2016, Hemati et al. 2018). The variant occurs at a critical residue, and functional studies support that variation at amino acid 80 impacts protein function (Ford et al. 1998, Yoda et al. 2015). Lastly, computational prediction tools and conservation analysis support that the p.Ile80Thr variant impacts protein function. In summary, this variant meets criteria to be classified as pathogenic for neurodevelopmental disorder in an autosomal dominant manner based upon case counts, de novo occurrence, location at a critical residue, a different pathogenic missense at the same position, functional evidence, and predicted impact on protein. ACMG/AMP Criteria applied: PS2_VeryStrong, PM5, PM1, PS3_Supporting, PP3

Cambridge Genomics Laboratory, East Genomic Laboratory Hub, NHS Genomic Medicine Service
Classification: Pathogenic for Intellectual disability. Last evaluated: 2019-04-17. Review status: criteria provided, single submitter. Criteria: ACGS Best Practice Guidelines for Variant Classification in Rare Disease 2020. Collection method: clinical testing. Allele origin: germline. Affected: yes. Observed: 1 variant allele.

CeGaT Center for Human Genetics Tuebingen
Classification: Pathogenic. Last evaluated: 2018-05-01. Review status: criteria provided, single submitter. Criteria: CeGaT Center For Human Genetics Tuebingen Variant Classification Criteria Version 2. Collection method: clinical testing. Allele origin: germline. Affected: yes. Observed: 1 variant allele.

Centre de Biologie Pathologie Génétique, Centre Hospitalier Universitaire de Lille
Classification: Pathogenic for Neurodevelopmental delay. Review status: criteria provided, single submitter. Criteria: ACMG Guidelines, 2015. Collection method: clinical testing. Allele origin: de novo. Affected: yes.

Centre for Inherited Metabolic Diseases, Karolinska University Hospital
Classification: Pathogenic for Intellectual developmental disorder, autosomal dominant 42. Review status: criteria provided, single submitter. Criteria: ACMG Guidelines, 2015. Collection method: clinical testing. Allele origin: de novo. Inheritance: Autosomal dominant inheritance. Affected: yes. Observed: 1 heterozygote.

Clinical Genetics Service, Universitary Hospital 12 de Octubre
Classification: Pathogenic for Intellectual developmental disorder, autosomal dominant 42. Review status: criteria provided, single submitter. Criteria: ACMG Guidelines, 2015. Collection method: clinical testing. Allele origin: de novo. Affected: yes.

Genomics England Pilot Project, Genomics England
Classification: Likely pathogenic for Intellectual developmental disorder, autosomal dominant 42. Review status: criteria provided, single submitter. Criteria: ACGS Guidelines, 2016. Collection method: clinical testing. Allele origin: germline. Affected: yes.

Solve-RD Consortium
Classification: Likely pathogenic for Acute lymphoid leukemia. Last evaluated: 2022-06-01. Review status: no assertion criteria provided. Collection method: provider interpretation. Allele origin: inherited. Affected: yes. Not counted in ClinVar's aggregate classification.
Comment: Variant confirmed as disease-causing by referring clinical team

Variant identified during reanalysis of unsolved cases by the Solve-RD project. The Solve-RD project has received funding from the European Union’s Horizon 2020 research and innovation programme under grant agreement No 779257.

OMIM
Classification: Pathogenic for INTELLECTUAL DEVELOPMENTAL DISORDER, AUTOSOMAL DOMINANT 42. Last evaluated: 2021-11-02. Review status: no assertion criteria provided. Collection method: literature only. Allele origin: unknown. Not counted in ClinVar's aggregate classification.

OMIM
Classification: Pathogenic for MYELODYSPLASTIC SYNDROME, SOMATIC. Last evaluated: 2021-11-02. Review status: no assertion criteria provided. Collection method: literature only. Allele origin: somatic. Not counted in ClinVar's aggregate classification.

OMIM
Classification: Pathogenic for LEUKEMIA, CHRONIC LYMPHOCYTIC, SOMATIC. Last evaluated: 2021-11-02. Review status: no assertion criteria provided. Collection method: literature only. Allele origin: somatic. Not counted in ClinVar's aggregate classification.

Department of Genetics, Rouen University Hospital, Normandy Center for Genomic and Personalized Medicine
Classification: Pathogenic for Neurodevelopmental abnormality. Last evaluated: 2020-06-04. Review status: no assertion criteria provided. Collection method: clinical testing. Allele origin: de novo. Affected: yes. Not counted in ClinVar's aggregate classification.

Clinical Genomics Laboratory, Stanford Medicine
Classification: Pathogenic for Intellectual developmental disorder, autosomal dominant 42. Last evaluated: 2019-09-26. Review status: no assertion criteria provided. Collection method: clinical testing. Allele origin: germline. Inheritance: Autosomal dominant inheritance. Affected: yes. Not counted in ClinVar's aggregate classification.
Comment: The p.Ile80Thr variant in the GNB1 gene has been previously reported de novo in 11 individuals with features including global developmental delay, hypotonia, seizures, and additional variable features (Hemati et al., 2018; Petrovski et al., 2016). This variant was absent from large population databases, including the Genome Aggregation Database. The p.Ile80Thr variant is located in a mutational hotspot of GNB1; other pathogenic and likely pathogenic variants have been described at amino acid positions 76-80 and disrupt the binding of GNB1 to other subunits. The GNB1 gene has fewer missense variants in the general population than expected. A low rate of missense variation may suggest that this gene is intolerant to missense variation. These data were assessed using the ACMG/AMP variant interpretation guidelines. In summary, there is sufficient evidence to classify the p.Ile80Thr variant as pathogenic for autosomal dominant GNB1-associated neurodevelopmental disorder, based on the information above. [ACMG evidence codes used: PS2_VeryStrong; PM1; PM2; PP2]

University of Washington Center for Mendelian Genomics, University of Washington
Classification: Likely pathogenic for Neurodevelopmental Disability; Hypotonia; Seizures. Last evaluated: 2016-05-05. Review status: no assertion criteria provided. Collection method: research. Allele origin: unknown. Affected: yes. Observed: 3 heterozygotes. Not counted in ClinVar's aggregate classification.

Genomics And Bioinformatics Analysis Resource, Columbia University
Classification: Pathogenic for Global developmental delay; Hypotonia; Seizure; Growth delay; Multifocal epileptiform discharges; Expressive language delay; Failure to thrive; Limb hypertonia; Strabismus; Developmental regression; EEG with generalized epileptiform discharges; Inability to walk; Nystagmus. Last evaluated: 2016-02-10. Review status: no assertion criteria provided. Collection method: research. Allele origin: de novo. Affected: yes. Observed: 3 variant alleles. Not counted in ClinVar's aggregate classification.

Laboratory of Molecular Genetics (Pr. Bezieau's lab), CHU de Nantes
Classification: Pathogenic for Intellectual disability; Cleft palate; Infantile axial hypotonia; Dystonic disorder; Upper limb hypertonia; Hypothyroidism. Last evaluated: 2015-12-04. Review status: no assertion criteria provided. Collection method: research. Allele origin: de novo. Inheritance: Sporadic. Affected: yes. Observed: 1 variant allele, 1 heterozygote. Not counted in ClinVar's aggregate classification.
Comment: The same de novo variant was identified in several other patients. De novo variants were also identified in additional patients with a similar phenotype in the four codons upstream. Functional assessment of the variant was reported in PMID:25485910.

GeneReviews
No classification provided. Condition: Intellectual developmental disorder, autosomal dominant 42. Review status: no classification provided. Collection method: literature only. Allele origin: germline. Not counted in ClinVar's aggregate classification.

Literature cited by the submitters: PubMed 9596582 (cited by Ambry Genetics and Laboratory for Molecular Medicine, Mass General Brigham Personalized Medicine); PubMed 25485910 (cited by 4 submitters); PubMed 27108799 (cited by 10 submitters); PubMed 31735425 (cited by 3billion and GeneReviews); PubMed 30194818 (cited by 5 submitters); PubMed 31036916 (cited by Variantyx, Inc.); PubMed 32963807 (cited by Variantyx, Inc. and Department of Paediatrics and Adolescent Medicine, The University of Hong Kong); PubMed 33177673 (cited by Variantyx, Inc.); PubMed 35328054 (cited by Variantyx, Inc.); PubMed 35719373 (cited by Variantyx, Inc.); PubMed 28087732 (cited by Victorian Clinical Genetics Services, Murdoch Childrens Research Institute); PubMed 32918542 (cited by Victorian Clinical Genetics Services, Murdoch Childrens Research Institute); PubMed 27513193 (cited by Laboratory for Molecular Medicine, Mass General Brigham Personalized Medicine); PubMed 39825153 (cited by Solve-RD Consortium); PubMed 32134617 (cited by GeneReviews).